The following is an entry in ClinVar:

NM_000719.7(CACNA1C):c.3106A>G (p.Thr1036Ala)

Gene: CACNA1C (calcium voltage-gated channel subunit alpha1 C; plus strand). Cytogenetic location: 12p13.33.
Variant type: single nucleotide variant.
Coding change: c.3106A>G on transcript NM_000719.7 (MANE Select); coding-DNA position 3106, A replaced by G.
Protein change: p.Thr1036Ala; replaces threonine 1036 with alanine.
Molecular consequence: missense variant.
Genome position (GRCh38, 1-based): chr12:2,605,736, A>G. VCF-style: chr12-2605736-A-G. GRCh37 (hg19) VCF-style: chr12-2714902-A-G.
Other names: c.3166A>G, p.Thr1056Ala (NM_001129827.2, NM_001129832.2, NM_199460.4); c.3106A>G, p.Thr1036Ala (NM_001129829.2, NM_001129830.3, NM_001129831.2 and 15 more transcripts); c.3097A>G, p.Thr1033Ala (NM_001129844.2); short protein forms T1033A, T1036A, T1056A.
Identifiers: ClinVar variation 1696971 (VCV001696971.6), dbSNP rs2153427070, ClinGen allele CA383374199.

ClinVar aggregate classification (germline): Uncertain significance. Review status: criteria provided, multiple submitters, no conflicts (2 of 4 stars). 2 submissions from 2 submitters: Uncertain significance (2). Last evaluated 2023-12-01.

Conditions:
Long QT syndrome (LQTS). Identifiers: MedGen C0023976, MeSH D008133, MONDO:0002442. Disease mechanism: loss of function. Inheritance: Various modes of inheritance.

Submissions (2):

Labcorp Genetics (formerly Invitae), Labcorp
Classification: Uncertain significance for Long QT syndrome. Last evaluated: 2023-12-01. Review status: criteria provided, single submitter. Criteria: Invitae Variant Classification Sherloc (09022015). Collection method: clinical testing. Allele origin: germline.
Comment: This sequence change replaces threonine, which is neutral and polar, with alanine, which is neutral and non-polar, at codon 1036 of the CACNA1C protein (p.Thr1036Ala). This variant is not present in population databases (gnomAD no frequency). This variant has not been reported in the literature in individuals affected with CACNA1C-related conditions. ClinVar contains an entry for this variant (Variation ID: 1696971). Advanced modeling of protein sequence and biophysical properties (such as structural, functional, and spatial information, amino acid conservation, physicochemical variation, residue mobility, and thermodynamic stability) performed at Invitae indicates that this missense variant is expected to disrupt CACNA1C protein function with a positive predictive value of 95%. In summary, the available evidence is currently insufficient to determine the role of this variant in disease. Therefore, it has been classified as a Variant of Uncertain Significance.

GeneDx
Classification: Uncertain significance. Last evaluated: 2023-10-09. Review status: criteria provided, single submitter. Criteria: GeneDx Variant Classification Process June 2021. Collection method: clinical testing. Allele origin: germline. Affected: yes.
Comment: Not observed at significant frequency in large population cohorts (gnomAD); In silico analysis supports that this missense variant has a deleterious effect on protein structure/function; Has not been previously published as pathogenic or benign to our knowledge